The following is an entry in ClinVar:

ClinVar aggregate classification (germline): Uncertain significance (1 of 4 stars; one submission).

gnomAD v4.1: 29 of 1,580,704 alleles (0.0018%); highest among the groups gnomAD compares: Middle Eastern, 0.017%; no homozygotes.

Submission:

Labcorp Genetics (formerly Invitae), Labcorp
Classification: Uncertain significance. Last evaluated: 2025-08-03. Review status: criteria provided, single submitter. Criteria: Invitae Variant Classification Sherloc (09022015). Collection method: clinical testing. Allele origin: germline.
Comment: This sequence change replaces arginine, which is basic and polar, with histidine, which is basic and polar, at codon 2742 of the DCHS1 protein (p.Arg2742His). This variant is present in population databases (rs746670481, gnomAD 0.02%). This variant has not been reported in the literature in individuals affected with DCHS1-related conditions. ClinVar contains an entry for this variant (Variation ID: 3615830). Invitae Evidence Modeling of protein sequence and biophysical properties (such as structural, functional, and spatial information, amino acid conservation, physicochemical variation, residue mobility, and thermodynamic stability) indicates that this missense variant is not expected to disrupt DCHS1 protein function with a negative predictive value of 95%. In summary, the available evidence is currently insufficient to determine the role of this variant in disease. Therefore, it has been classified as a Variant of Uncertain Significance.

NM_003737.4(DCHS1):c.8225G>A (p.Arg2742His)

Gene: DCHS1 (dachsous cadherin-related 1; minus strand). Cytogenetic location: 11p15.4.
Variant type: single nucleotide variant.
Coding change: c.8225G>A on transcript NM_003737.4 (MANE Select); coding-DNA position 8225, G replaced by A.
Protein change: p.Arg2742His; replaces arginine 2742 with histidine.
Molecular consequence: missense variant.
Genome position (GRCh38, 1-based): chr11:6,623,451, C>T on the plus strand (G>A on the coding strand, the complement: DCHS1 is on the minus strand). VCF-style: chr11-6623451-C-T. GRCh37 (hg19) VCF-style: chr11-6644682-C-T.
Other names: short protein forms R2742H.
Identifiers: ClinVar variation 3615830 (VCV003615830.2).